The following is an entry in ClinVar:

ClinVar aggregate classification (germline): Uncertain significance (1 of 4 stars; one submission).

Allele frequency attached by ClinVar (database versions not stated): gnomAD exomes below 0.00001; ExAC 0.00001.

Submission:

GeneDx
Classification: Uncertain significance. Last evaluated: 2019-12-23. Review status: criteria provided, single submitter. Criteria: GeneDx Variant Classification Process June 2021. Collection method: clinical testing. Allele origin: germline. Affected: yes.
Comment: Not observed at a significant frequency in large population cohorts (Lek et al., 2016); In silico analysis, which includes protein predictors and evolutionary conservation, supports that this variant does not alter protein structure/function; Has not been previously published as pathogenic or benign to our knowledge

NM_018105.3(THAP1):c.109G>A (p.Glu37Lys)

Gene: THAP1 (THAP domain containing 1; minus strand). Cytogenetic location: 8p11.21.
Variant type: single nucleotide variant.
Coding change: c.109G>A on transcript NM_018105.3 (MANE Select); coding-DNA position 109, G replaced by A.
Protein change: p.Glu37Lys; replaces glutamic acid 37 with lysine.
Molecular consequence: missense variant. On other transcripts: intron variant (1).
Genome position (GRCh38, 1-based): chr8:42,839,344, C>T on the plus strand (G>A on the coding strand, the complement: THAP1 is on the minus strand). VCF-style: chr8-42839344-C-T. GRCh37 (hg19) VCF-style: chr8-42694487-C-T.
Other names: c.72-1008G>A (NM_199003.2); short protein forms E37K.
Identifiers: ClinVar variation 1311244 (VCV001311244.2), dbSNP rs759022351, ClinGen allele CA4734601.